The following is an entry in ClinVar:

ClinVar aggregate classification (germline): Benign (1 of 4 stars; one submission).

Allele frequency attached by ClinVar (database versions not stated): gnomAD 0.24585 and 0.24621; 1000 Genomes Project 0.24720; TOPMed 0.24742; 1000 Genomes Project 30x 0.24766.
gnomAD v4.1: 37,333 of 152,056 alleles (25%); highest among the groups gnomAD compares: East Asian, 27%; 4,581 homozygotes.

Submission:

GeneDx
Classification: Benign. Last evaluated: 2018-06-14. Review status: criteria provided, single submitter. Criteria: GeneDx Variant Classification (06012015). Collection method: clinical testing. Allele origin: germline. Affected: yes.
Comment: This variant is considered likely benign or benign based on one or more of the following criteria: it is a conservative change, it occurs at a poorly conserved position in the protein, it is predicted to be benign by multiple in silico algorithms, and/or has population frequency not consistent with disease.

NM_206933.4(USH2A):c.2168-282C>A

Gene: USH2A (usherin; minus strand). Cytogenetic location: 1q41.
Variant type: single nucleotide variant.
Coding change: c.2168-282C>A on transcript NM_206933.4 (MANE Select); 282 bases into the intron before coding-DNA position 2168, C replaced by A.
Molecular consequence: intron variant.
Genome position (GRCh38, 1-based): chr1:216,247,508, G>T on the plus strand (C>A on the coding strand, the complement: USH2A is on the minus strand). VCF-style: chr1-216247508-G-T. GRCh37 (hg19) VCF-style: chr1-216420850-G-T.
Other names: c.2168-282C>A (NM_007123.6).
Identifiers: ClinVar variation 667876 (VCV000667876.1), dbSNP rs404925, ClinGen allele CA10913560.